The following is an entry in ClinVar:

ClinVar aggregate classification (germline): Conflicting classifications of pathogenicity. Review status: criteria provided, conflicting classifications (1 of 4 stars). 2 submissions from 2 submitters: Uncertain significance (1); Likely benign (1). Last evaluated 2026-01-01.

Conditions:
Inborn genetic diseases. Identifiers: MedGen C0950123, MeSH D030342.

gnomAD v4.1: 11 of 1,613,912 alleles (0.00068%); highest among the groups gnomAD compares: Non-Finnish European, 0.00085%; no homozygotes.

Submissions (2):

CeGaT Center for Human Genetics Tuebingen
Classification: Likely benign. Last evaluated: 2026-01-01. Review status: criteria provided, single submitter. Criteria: CeGaT Center For Human Genetics Tuebingen Variant Classification Criteria Version 2. Collection method: clinical testing. Allele origin: germline. Affected: yes. Observed: 1 variant allele.
Comment: ZNF292: BP4

Ambry Genetics
Classification: Uncertain significance for Inborn genetic diseases. Last evaluated: 2025-06-06. Review status: criteria provided, single submitter. Criteria: Ambry Variant Classification Scheme 2023. Collection method: clinical testing. Allele origin: germline.

NM_015021.3(ZNF292):c.4349A>C (p.Asp1450Ala)

Gene: ZNF292 (zinc finger protein 292; plus strand). Cytogenetic location: 6q14.3.
Variant type: single nucleotide variant.
Coding change: c.4349A>C on transcript NM_015021.3 (MANE Select); coding-DNA position 4349, A replaced by C.
Protein change: p.Asp1450Ala; replaces aspartic acid 1450 with alanine.
Molecular consequence: missense variant.
Genome position (GRCh38, 1-based): chr6:87,257,978, A>C. VCF-style: chr6-87257978-A-C. GRCh37 (hg19) VCF-style: chr6-87967696-A-C.
Other names: c.3929A>C, p.Asp1310Ala (NM_001351444.2); short protein forms D1450A, D1310A.
Identifiers: ClinVar variation 2226440 (VCV002226440.7), dbSNP rs370807498, ClinGen allele CA364926976.